The following is an entry in ClinVar:

ClinVar aggregate classification (germline): Uncertain significance (1 of 4 stars; one submission).

gnomAD v4.1: 5 of 1,613,954 alleles (0.00031%); highest among the groups gnomAD compares: African/African-American, 0.0013%; no homozygotes.

Submission:

Labcorp Genetics (formerly Invitae), Labcorp
Classification: Uncertain significance. Last evaluated: 2025-12-13. Review status: criteria provided, single submitter. Criteria: Invitae Variant Classification Sherloc (09022015). Collection method: clinical testing. Allele origin: germline.
Comment: This sequence change replaces arginine, which is basic and polar, with cysteine, which is neutral and slightly polar, at codon 124 of the CTNNB1 protein (p.Arg124Cys). This variant is present in population databases (rs751808983, gnomAD 0.007%). This variant has not been reported in the literature in individuals affected with CTNNB1-related conditions. Invitae Evidence Modeling of protein sequence and biophysical properties (such as structural, functional, and spatial information, amino acid conservation, physicochemical variation, residue mobility, and thermodynamic stability) has been performed for this missense variant. However, the output from this modeling did not meet the statistical confidence thresholds required to predict the impact of this variant on CTNNB1 protein function. In summary, the available evidence is currently insufficient to determine the role of this variant in disease. Therefore, it has been classified as a Variant of Uncertain Significance.

NM_001904.4(CTNNB1):c.370C>T (p.Arg124Cys)

Genes: CTNNB1 (catenin beta 1; plus strand), LOC126806658 (BRD4-independent group 4 enhancer GRCh37_chr3:41265899-41267098; plus strand). Cytogenetic location: 3p22.1.
Variant type: single nucleotide variant.
Coding change: c.370C>T on transcript NM_001904.4 (MANE Select); coding-DNA position 370, C replaced by T.
Protein change: p.Arg124Cys; replaces arginine 124 with cysteine.
Molecular consequence: missense variant.
Genome position (GRCh38, 1-based): chr3:41,225,082, C>T. VCF-style: chr3-41225082-C-T. GRCh37 (hg19) VCF-style: chr3-41266573-C-T.
Other names: c.370C>T, p.Arg124Cys (NM_001098209.2, NM_001098210.2, NM_001438871.1 and 4 more transcripts); c.349C>T, p.Arg117Cys (NM_001330729.2); short protein forms R124C, R117C.
Identifiers: ClinVar variation 4694296 (VCV004694296.1).